The following is an entry in ClinVar:

ClinVar aggregate classification (germline): Uncertain significance (1 of 4 stars; one submission).

gnomAD v4.1: 17 of 1,614,006 alleles (0.0011%); highest among the groups gnomAD compares: East Asian, 0.011%; no homozygotes.

Submission:

Labcorp Genetics (formerly Invitae), Labcorp
Classification: Uncertain significance. Last evaluated: 2025-09-13. Review status: criteria provided, single submitter. Criteria: Invitae Variant Classification Sherloc (09022015). Collection method: clinical testing. Allele origin: germline.
Comment: This sequence change replaces alanine, which is neutral and non-polar, with threonine, which is neutral and polar, at codon 2086 of the SPTB protein (p.Ala2086Thr). This variant is present in population databases (rs746553902, gnomAD 0.01%). This variant has not been reported in the literature in individuals affected with SPTB-related conditions. An algorithm developed to predict the effect of missense changes on protein structure and function outputs the following: PolyPhen-2: "Benign". The threonine amino acid residue is found in multiple mammalian species, which suggests that this missense change does not adversely affect protein function. In summary, the available evidence is currently insufficient to determine the role of this variant in disease. Therefore, it has been classified as a Variant of Uncertain Significance.

NM_001355436.2(SPTB):c.6256G>A (p.Ala2086Thr)

Gene: SPTB (spectrin beta, erythrocytic; minus strand). Cytogenetic location: 14q23.3.
Variant type: single nucleotide variant.
Coding change: c.6256G>A on transcript NM_001355436.2 (MANE Select); coding-DNA position 6256, G replaced by A.
Protein change: p.Ala2086Thr; replaces alanine 2086 with threonine.
Molecular consequence: missense variant.
Genome position (GRCh38, 1-based): chr14:64,767,316, C>T on the plus strand (G>A on the coding strand, the complement: SPTB is on the minus strand). VCF-style: chr14-64767316-C-T. GRCh37 (hg19) VCF-style: chr14-65234034-C-T.
Other names: c.6256G>A, p.Ala2086Thr (NM_001024858.4, NM_001355437.2); short protein forms A2086T.
Identifiers: ClinVar variation 4754285 (VCV004754285.1).
Genomic context (GRCh38, chr14:64,767,316, plus strand): 5'-CCACTTGGCAGAGCATTCAGCTCCCTGGACACACGGCCACCACTCACCCAGTCTCCTCTG[C>T]GGGTCTCTCTGCAATCTGGCGTTCTTTCAGCTCAAGCTAGAGGAGGAGAAGGCCCAGGGG-3'
Protein context (NP_001342365.1, residues 2076-2096): LKERQIAERP[Ala2086Thr]EETGPQEEEG